The following is an entry in ClinVar:

NM_024408.4(NOTCH2):c.5781+1G>T

Gene: NOTCH2 (notch receptor 2; minus strand). Cytogenetic location: 1p12.
Variant type: single nucleotide variant.
Coding change: c.5781+1G>T on transcript NM_024408.4 (MANE Select); the canonical splice donor site of the intron after coding-DNA position 5781, G replaced by T.
Molecular consequence: splice donor variant.
Genome position (GRCh38, 1-based): chr1:119,919,311, C>A on the plus strand (G>T on the coding strand, the complement: NOTCH2 is on the minus strand). VCF-style: chr1-119919311-C-A. GRCh37 (hg19) VCF-style: chr1-120461934-C-A.
Identifiers: ClinVar variation 2808340 (VCV002808340.3), dbSNP rs1382733866, ClinGen allele CA341883728.

ClinVar aggregate classification (germline): Likely pathogenic (1 of 4 stars; one submission).

Conditions:
Hajdu-Cheney syndrome (HJCYS). Also called: ACROOSTEOLYSIS WITH OSTEOPOROSIS AND CHANGES IN SKULL AND MANDIBLE; Acroosteolysis dominant type; SERPENTINE FIBULA-POLYCYSTIC KIDNEY SYNDROME. Identifiers: Orphanet 955, MedGen C0917715, MONDO:0007057, OMIM 102500.

Submission:

Labcorp Genetics (formerly Invitae), Labcorp
Classification: Likely pathogenic for Hajdu-Cheney syndrome. Last evaluated: 2022-10-12. Review status: criteria provided, single submitter. Criteria: Invitae Variant Classification Sherloc (09022015). Collection method: clinical testing. Allele origin: germline.
Comment: This sequence change affects a donor splice site in intron 31 of the NOTCH2 gene. It is expected to disrupt RNA splicing. Variants that disrupt the donor or acceptor splice site typically lead to a loss of protein function (PMID: 16199547), and loss-of-function variants in NOTCH2 are known to be pathogenic (PMID: 16773578, 22209762). In summary, the currently available evidence indicates that the variant is pathogenic, but additional data are needed to prove that conclusively. Therefore, this variant has been classified as Likely Pathogenic. Algorithms developed to predict the effect of sequence changes on RNA splicing suggest that this variant may disrupt the consensus splice site. This variant has not been reported in the literature in individuals affected with NOTCH2-related conditions. This variant is not present in population databases (gnomAD no frequency).

Literature cited by the submitters: PubMed 16199547; PubMed 16773578; PubMed 22209762.